The following is an entry in ClinVar:

ClinVar aggregate classification (germline): Pathogenic. Review status: criteria provided, single submitter (1 of 4 stars). 2 submissions from 2 submitters: Pathogenic (1). 1 of the submissions does not count toward it. Last evaluated 2021-07-21.

Conditions:
Familial X-linked hypophosphatemic vitamin D refractory rickets (XLHRD). Also called: X-Linked Hypophosphatemia; Hypophosphatemic Rickets, X-Linked Dominant; HYPOPHOSPHATEMIC VITAMIN D-RESISTANT RICKETS; Hypophosphatemia, vitamin D-resistant rickets; Vitamin D-resistant rickets, X-linked. Identifiers: Orphanet 89936, MedGen C0733682, MONDO:0010619, OMIM 307800.

Submissions (2):

Labcorp Genetics (formerly Invitae), Labcorp
Classification: Pathogenic. Last evaluated: 2021-07-21. Review status: criteria provided, single submitter. Criteria: Invitae Variant Classification Sherloc (09022015). Collection method: clinical testing. Allele origin: germline.
Comment: This sequence change creates a premature translational stop signal (p.Trp368*) in the PHEX gene. It is expected to result in an absent or disrupted protein product. For these reasons, this variant has been classified as Pathogenic. Loss-of-function variants in PHEX are known to be pathogenic (PMID: 9097956, 9106524, 19219621). This variant has been observed in an individual affected with X-linked hypophosphatemia (PMID: 14564077). This variant is not present in population databases (ExAC no frequency).

Pediatric Department, Beijing Jishuitan Hospital, Capital Medical University
Classification: Pathogenic for Familial X-linked hypophosphatemic vitamin D refractory rickets. Review status: no assertion criteria provided. Collection method: research. Allele origin: maternal. Inheritance: X-linked dominant inheritance. Affected: yes. Not counted in ClinVar's aggregate classification.

Literature cited by the submitters: PubMed 9097956 (cited by Labcorp Genetics (formerly Invitae), Labcorp); PubMed 9106524 (cited by Labcorp Genetics (formerly Invitae), Labcorp); PubMed 19219621 (cited by Labcorp Genetics (formerly Invitae), Labcorp); PubMed 14564077 (cited by Labcorp Genetics (formerly Invitae), Labcorp).

NM_000444.6(PHEX):c.1104G>A (p.Trp368Ter)

Gene: PHEX (phosphate regulating endopeptidase X-linked; plus strand). Cytogenetic location: Xp22.11.
Variant type: single nucleotide variant.
Coding change: c.1104G>A on transcript NM_000444.6 (MANE Select); coding-DNA position 1104, G replaced by A.
Protein change: p.Trp368Ter; replaces tryptophan 368 with a stop codon.
Molecular consequence: nonsense.
Genome position (GRCh38, 1-based): chrX:22,111,491, G>A. VCF-style: chrX-22111491-G-A. GRCh37 (hg19) VCF-style: chrX-22129609-G-A.
Other names: c.1104G>A, p.Trp368Ter (NM_001282754.2); short protein forms W368*.
Identifiers: ClinVar variation 948927 (VCV000948927.10), dbSNP rs1930963615, ClinGen allele CA412573125.
Genomic context (GRCh38, chrX:22,111,491, plus strand): 5'-AAAATACAATAAATGGGCATCTCTCTCTGTTAACAGGACCATTGCCAACTATTTGGTGTG[G>A]AGAATGGTTTATTCCAGAATTCCAAACCTTAGCAGGCGCTTTCAGTATAGATGGCTGGAA-3'